The following is an entry in ClinVar:

ClinVar aggregate classification (germline): Uncertain significance (1 of 4 stars; one submission).

Submission:

Labcorp Genetics (formerly Invitae), Labcorp
Classification: Uncertain significance. Last evaluated: 2023-05-01. Review status: criteria provided, single submitter. Criteria: Invitae Variant Classification Sherloc (09022015). Collection method: clinical testing. Allele origin: germline.
Comment: In summary, the available evidence is currently insufficient to determine the role of this variant in disease. Therefore, it has been classified as a Variant of Uncertain Significance. Experimental studies and prediction algorithms are not available or were not evaluated, and the functional significance of this variant is currently unknown. ClinVar contains an entry for this variant (Variation ID: 1513505). This variant has not been reported in the literature in individuals affected with KIF20A-related conditions. This variant is not present in population databases (gnomAD no frequency). This sequence change affects the initiator methionine of the KIF20A mRNA. The next in-frame methionine is located at codon 23.

NM_005733.3(KIF20A):c.1A>G (p.Met1Val)

Gene: KIF20A (kinesin family member 20A; plus strand). Cytogenetic location: 5q31.2.
Variant type: single nucleotide variant.
Coding change: c.1A>G on transcript NM_005733.3 (MANE Select); coding-DNA position 1, A replaced by G.
Protein change: p.Met1Val; changes the start codon (methionine 1).
Molecular consequence: missense variant, initiator codon variant.
Genome position (GRCh38, 1-based): chr5:138,179,681, A>G. VCF-style: chr5-138179681-A-G. GRCh37 (hg19) VCF-style: chr5-137515370-A-G.
Other names: short protein forms M1V.
Identifiers: ClinVar variation 1513505 (VCV001513505.8), dbSNP rs1754606608, ClinGen allele CA361111129.